The following is an entry in ClinVar:

ClinVar aggregate classification (germline): Uncertain significance (1 of 4 stars; one submission).

Conditions:
Cardiovascular phenotype. Identifiers: MedGen CN230736.

Allele frequency attached by ClinVar (database versions not stated): TOPMed below 0.00001.

Submission:

Ambry Genetics
Classification: Uncertain significance for Cardiovascular phenotype. Last evaluated: 2023-02-07. Review status: criteria provided, single submitter. Criteria: Ambry Variant Classification Scheme 2023. Collection method: clinical testing. Allele origin: germline.
Comment: The p.L2740F variant (also known as c.8218C>T), located in coding exon 33 of the AKAP9 gene, results from a C to T substitution at nucleotide position 8218. The leucine at codon 2740 is replaced by phenylalanine, an amino acid with highly similar properties. This amino acid position is conserved. In addition, this alteration is predicted to be tolerated by in silico analysis. Since supporting evidence is limited at this time, the clinical significance of this alteration remains unclear.

NM_005751.5(AKAP9):c.8218C>T (p.Leu2740Phe)

Gene: AKAP9 (A-kinase anchoring protein 9; plus strand). Cytogenetic location: 7q21.2.
Variant type: single nucleotide variant.
Coding change: c.8218C>T on transcript NM_005751.5 (MANE Select); coding-DNA position 8218, C replaced by T.
Protein change: p.Leu2740Phe; replaces leucine 2740 with phenylalanine.
Molecular consequence: missense variant.
Genome position (GRCh38, 1-based): chr7:92,083,227, C>T. VCF-style: chr7-92083227-C-T. GRCh37 (hg19) VCF-style: chr7-91712541-C-T.
Other names: c.2863C>T, p.Leu955Phe (NM_001379277.1); c.8194C>T, p.Leu2732Phe (NM_147185.3); short protein forms L955F, L2732F, L2740F.
Identifiers: ClinVar variation 2449774 (VCV002449774.2), dbSNP rs1813907280, ClinGen allele CA368138186.